The following is an entry in ClinVar:

ClinVar aggregate classification (germline): Likely benign (1 of 4 stars; one submission).

Allele frequency attached by ClinVar (database versions not stated): gnomAD 0.00005; ExAC 0.00002; TOPMed 0.00003.

Submission:

CeGaT Center for Human Genetics Tuebingen
Classification: Likely benign. Last evaluated: 2023-04-01. Review status: criteria provided, single submitter. Criteria: CeGaT Center For Human Genetics Tuebingen Variant Classification Criteria Version 2. Collection method: clinical testing. Allele origin: germline. Affected: yes. Observed: 1 variant allele.
Comment: RTP5: BP4, BP7

NM_173821.3(RTP5):c.195G>A (p.Ser65=)

Gene: RTP5 (receptor transporter protein 5 (putative); plus strand). Cytogenetic location: 2q37.3.
Variant type: single nucleotide variant.
Coding change: c.195G>A on transcript NM_173821.3 (MANE Select); coding-DNA position 195, G replaced by A.
Protein change: p.Ser65=; no amino-acid change (serine 65 retained).
Molecular consequence: synonymous variant.
Genome position (GRCh38, 1-based): chr2:241,871,750, G>A. VCF-style: chr2-241871750-G-A. GRCh37 (hg19) VCF-style: chr2-242813902-G-A.
Identifiers: ClinVar variation 2652121 (VCV002652121.24), dbSNP rs745477524, ClinGen allele CA2223583.
Genomic context (GRCh38, chr2:241,871,750, plus strand): 5'-CACACACTTCTTTCCCCGCCGCAGGCTCCAGTGCGGTCACTGTCCGGGGACCTGGGACTC[G>A]GCCCATGTGCACGTCCTCTTCCACCTGTGGTGGGACAGGGCCAGCCACCGGGGGCTGGTG-3'
Protein context (NP_776182.2, residues 55-75): QCGHCPGTWD[Ser65=]AHVHVLFHLW